The following is an entry in ClinVar:

NM_001378414.1(HDAC4):c.2239C>T (p.Leu747Phe)

Gene: HDAC4 (histone deacetylase 4; minus strand). Cytogenetic location: 2q37.3.
Variant type: single nucleotide variant.
Coding change: c.2239C>T on transcript NM_001378414.1 (MANE Select); coding-DNA position 2239, C replaced by T.
Protein change: p.Leu747Phe; replaces leucine 747 with phenylalanine.
Molecular consequence: missense variant.
Genome position (GRCh38, 1-based): chr2:239,095,051, G>A on the plus strand (C>T on the coding strand, the complement: HDAC4 is on the minus strand). VCF-style: chr2-239095051-G-A. GRCh37 (hg19) VCF-style: chr2-240016747-G-A.
Other names: c.2239C>T, p.Leu747Phe (NM_001378415.1); c.2224C>T, p.Leu742Phe (NM_001378416.1, NM_001378417.1, NM_006037.4); short protein forms L742F, L747F.
Identifiers: ClinVar variation 3731426 (VCV003731426.1).

ClinVar aggregate classification (germline): Uncertain significance (1 of 4 stars; one submission).

Conditions:
Neurodevelopmental disorder with central hypotonia and dysmorphic facies (NEDCHF). Identifiers: MedGen C5676944, MONDO:0859232, OMIM 619797.

Submission:

Neuberg Centre For Genomic Medicine, NCGM
Classification: Uncertain significance for Neurodevelopmental disorder with central hypotonia and dysmorphic facies. Last evaluated: 2023-06-22. Review status: criteria provided, single submitter. Criteria: ACMG Guidelines, 2015. Collection method: clinical testing. Allele origin: germline. Inheritance: Autosomal dominant inheritance. Affected: yes.
Comment: The observed missense c.2239C>T(p.Leu747Phe) variant in HDAC4 gene has not been reported previously as a pathogenic variant nor as a benign variant, to our knowledge. This variant is absent in gnomAD Exomes. The amino acid Leu at position 747 is changed to a Phe changing protein sequence and it might alter its composition and physico-chemical properties. The amino acid change p.Leu747Phe in HDAC4 is predicted as conserved by GERP++ and PhyloP across 100 vertebrates. Computational evidence (Polyphen - Benign, SIFT - Damaging, and MutationTaster - Polymorphism) predicts conflicting evidence on protein structure and function for this variant. For these reasons, this variant has been classified as Uncertain Significance.